The following is an entry in ClinVar:

NM_014780.5(CUL7):c.711C>G (p.Phe237Leu)

Gene: CUL7 (cullin 7; minus strand). Cytogenetic location: 6p21.1.
Variant type: single nucleotide variant.
Coding change: c.711C>G on transcript NM_014780.5 (MANE Select); coding-DNA position 711, C replaced by G.
Protein change: p.Phe237Leu; replaces phenylalanine 237 with leucine.
Molecular consequence: missense variant.
Genome position (GRCh38, 1-based): chr6:43,051,633, G>C on the plus strand (C>G on the coding strand, the complement: CUL7 is on the minus strand). VCF-style: chr6-43051633-G-C. GRCh37 (hg19) VCF-style: chr6-43019371-G-C.
Other names: c.807C>G, p.Phe269Leu (NM_001168370.2, NM_001374872.1); c.711C>G, p.Phe237Leu (NM_001374873.1, NM_001374874.1); short protein forms F237L, F269L.
Identifiers: ClinVar variation 1446845 (VCV001446845.8), dbSNP rs200593675, ClinGen allele CA3814324.

ClinVar aggregate classification (germline): Uncertain significance (1 of 4 stars; one submission).

Allele frequency attached by ClinVar (database versions not stated): ESP Exome Variant Server 0.00008.
gnomAD v4.1: 14 of 1,614,148 alleles (0.00087%); highest among the groups gnomAD compares: Non-Finnish European, 0.0011%; no homozygotes.

Submission:

Labcorp Genetics (formerly Invitae), Labcorp
Classification: Uncertain significance. Last evaluated: 2021-06-02. Review status: criteria provided, single submitter. Criteria: Invitae Variant Classification Sherloc (09022015). Collection method: clinical testing. Allele origin: germline.
Comment: In summary, the available evidence is currently insufficient to determine the role of this variant in disease. Therefore, it has been classified as a Variant of Uncertain Significance. This sequence change replaces phenylalanine with leucine at codon 237 of the CUL7 protein (p.Phe237Leu). The phenylalanine residue is highly conserved and there is a small physicochemical difference between phenylalanine and leucine. This variant is present in population databases (rs200593675, ExAC 0.001%). This variant has not been reported in the literature in individuals with CUL7-related conditions. Algorithms developed to predict the effect of missense changes on protein structure and function are either unavailable or do not agree on the potential impact of this missense change (SIFT: "Deleterious"; PolyPhen-2: "Probably Damaging"; Align-GVGD: "Class C0").